The following is an entry in ClinVar:

ClinVar aggregate classification (germline): Pathogenic (1 of 4 stars; one submission).

Conditions:
Lynch syndrome 5 (LYNCH5). Also called: Colorectal cancer, hereditary nonpolyposis, type 5; Hereditary non-polyposis colorectal cancer, type 5. Identifiers: Orphanet 144, MedGen C1833477, MONDO:0013710, OMIM 614350. Disease mechanism: loss of function.

Submission:

Myriad Genetics, Inc.
Classification: Pathogenic for Lynch syndrome 5. Last evaluated: 2023-08-22. Review status: criteria provided, single submitter. Criteria: Myriad Autosomal Dominant, Autosomal Recessive and X-Linked Classification Criteria (2023). Collection method: clinical testing. Allele origin: unknown.
Comment: This variant is considered pathogenic. This variant creates a frameshift predicted to result in premature protein truncation.

NM_000179.3(MSH6):c.3219dup (p.Met1074fs)

Gene: MSH6 (mutS homolog 6; plus strand). Cytogenetic location: 2p16.3.
Variant type: Duplication.
Coding change: c.3219dup on transcript NM_000179.3 (MANE Select); coding-DNA position 3219, one base duplicated (T; older notation c.3219dupT).
Protein change: p.Met1074fs; shifts the reading frame from methionine 1074.
Molecular consequence: frameshift variant. On other transcripts: non-coding transcript variant (5), intron variant (1).
Genome position (GRCh38, 1-based): chr2:47,803,466, T duplicated. VCF-style (leftmost placement, unchanged base first): chr2-47803465-C-CT. GRCh37 (hg19) VCF-style: chr2-48030604-C-CT.
Other names: c.2829dup, p.Met944fs (NM_001281492.2); c.2313dup, p.Met772fs (NM_001281493.2, NM_001281494.2, NM_001406811.1 and 6 more transcripts); c.3315dup, p.Met1106fs (NM_001406795.1, NM_001406802.1); c.3219dup, p.Met1074fs (NM_001406796.1, NM_001406800.1, NM_001406808.1 and 1 more transcripts); c.2922dup, p.Met975fs (NM_001406797.1, NM_001406801.1, NM_001406805.1 and 10 more transcripts); c.2694dup, p.Met899fs (NM_001406799.1, NM_001406806.1, NM_001406807.1); c.2355dup, p.Met786fs (NM_001406803.1); c.3141dup, p.Met1048fs (NM_001406804.1); and 7 more; short protein forms M1018fs, M1048fs, M1074fs, M1076fs, M1106fs, M1fs, M23fs, M389fs.
Identifiers: ClinVar variation 2673590 (VCV002673590.1), dbSNP rs2530760528, ClinGen allele CA2695200510.